The following is an entry in ClinVar:

ClinVar aggregate classification (germline): Likely benign (1 of 4 stars; one submission).

Submission:

CeGaT Center for Human Genetics Tuebingen
Classification: Likely benign. Last evaluated: 2026-07-01. Review status: criteria provided, single submitter. Criteria: CeGaT Center For Human Genetics Tuebingen Variant Classification Criteria Version 2. Collection method: clinical testing. Allele origin: germline. Affected: yes. Observed: 1 variant allele.
Comment: PLIN4: BP4

NM_001367868.2(PLIN4):c.2759G>C (p.Ser920Thr)

Gene: PLIN4 (perilipin 4; minus strand). Cytogenetic location: 19p13.3.
Variant type: single nucleotide variant.
Coding change: c.2759G>C on transcript NM_001367868.2 (MANE Select); coding-DNA position 2759, G replaced by C.
Protein change: p.Ser920Thr; replaces serine 920 with threonine.
Molecular consequence: missense variant.
Genome position (GRCh38, 1-based): chr19:4,511,201, C>G on the plus strand (G>C on the coding strand, the complement: PLIN4 is on the minus strand). VCF-style: chr19-4511201-C-G. GRCh37 (hg19) VCF-style: chr19-4511213-C-G.
Other names: c.2762G>C, p.Ser921Thr (NM_001393888.1, NM_001393889.1); c.2759G>C, p.Ser920Thr (NM_001393890.1, NM_001393891.1); short protein forms S920T, S921T.
Identifiers: ClinVar variation 5038605 (VCV005038605.1).